The following is an entry in ClinVar:

NM_003128.3(SPTBN1):c.4406A>G (p.Glu1469Gly)

Gene: SPTBN1 (spectrin beta, non-erythrocytic 1; plus strand). Cytogenetic location: 2p16.2.
Variant type: single nucleotide variant.
Coding change: c.4406A>G on transcript NM_003128.3 (MANE Select); coding-DNA position 4406, A replaced by G.
Protein change: p.Glu1469Gly; replaces glutamic acid 1469 with glycine.
Molecular consequence: missense variant.
Genome position (GRCh38, 1-based): chr2:54,645,365, A>G. VCF-style: chr2-54645365-A-G. GRCh37 (hg19) VCF-style: chr2-54872502-A-G.
Other names: c.4367A>G, p.Glu1456Gly (NM_178313.3); short protein forms E1456G, E1469G.
Identifiers: ClinVar variation 4082853 (VCV004082853.1).

ClinVar aggregate classification (germline): Uncertain significance (1 of 4 stars; one submission).

gnomAD v4.1: 3 of 1,614,056 alleles (0.00019%); highest among the groups gnomAD compares: African/African-American, 0.0027%; no homozygotes.

Submission:

GeneDx
Classification: Uncertain significance. Last evaluated: 2025-03-04. Review status: criteria provided, single submitter. Criteria: GeneDx Variant Classification Process June 2021. Collection method: clinical testing. Allele origin: germline. Affected: yes.
Comment: Not observed at significant frequency in large population cohorts (gnomAD); In silico analysis supports that this missense variant has a deleterious effect on protein structure/function; Has not been previously published as pathogenic or benign to our knowledge